The following is an entry in ClinVar:

ClinVar aggregate classification (germline): Uncertain significance (1 of 4 stars; one submission).

Conditions:
Inborn genetic diseases. Identifiers: MedGen C0950123, MeSH D030342.

Submission:

Ambry Genetics
Classification: Uncertain significance for Inborn genetic diseases. Last evaluated: 2026-04-22. Review status: criteria provided, single submitter. Criteria: Ambry Variant Classification Scheme 2023. Collection method: clinical testing. Allele origin: germline.
Comment: The c.751C>T (p.R251C) alteration is located in exon 4 (coding exon 4) of the TUBB2A gene. This alteration results from a C to T substitution at nucleotide position 751, causing the arginine (R) at amino acid position 251 to be replaced by a cysteine (C). This variant was not reported in population-based cohorts in the Genome Aggregation Database (gnomAD). This amino acid position is highly conserved in available vertebrate species. This missense variant is located in a region that has a low rate of benign missense variation (Lek, 2016; Firth, 2009). This alteration is predicted to be deleterious by in silico analysis. Based on insufficient or conflicting evidence, the clinical significance of this alteration remains unclear.

NM_001069.3(TUBB2A):c.751C>T (p.Arg251Cys)

Gene: TUBB2A (tubulin beta 2A class IIa; minus strand). Cytogenetic location: 6p25.2.
Variant type: single nucleotide variant.
Coding change: c.751C>T on transcript NM_001069.3 (MANE Select); coding-DNA position 751, C replaced by T.
Protein change: p.Arg251Cys; replaces arginine 251 with cysteine.
Molecular consequence: missense variant.
Genome position (GRCh38, 1-based): chr6:3,154,450, G>A on the plus strand (C>T on the coding strand, the complement: TUBB2A is on the minus strand). VCF-style: chr6-3154450-G-A. GRCh37 (hg19) VCF-style: chr6-3154684-G-A.
Other names: c.496C>T, p.Arg166Cys (NM_001310315.2); short protein forms R166C, R251C.
Identifiers: ClinVar variation 4866261 (VCV004866261.1).